The following is an entry in ClinVar:

ClinVar aggregate classification (germline): Uncertain significance (1 of 4 stars; one submission).

Submission:

GeneDx
Classification: Uncertain significance. Last evaluated: 2025-06-14. Review status: criteria provided, single submitter. Criteria: GeneDx Variant Classification Process June 2021. Collection method: clinical testing. Allele origin: germline. Affected: yes.
Comment: Not observed at significant frequency in large population cohorts (gnomAD); Frameshift variant predicted to result in protein truncation or nonsense mediated decay in a gene for which loss-of-function is not an established mechanism of disease; Has not been previously published as pathogenic or benign to our knowledge

NM_022835.3(PLEKHG2):c.1465dup (p.Tyr489fs)

Gene: PLEKHG2 (pleckstrin homology and RhoGEF domain containing G2; plus strand). Cytogenetic location: 19q13.2.
Variant type: Duplication.
Coding change: c.1465dup on transcript NM_022835.3 (MANE Select); coding-DNA position 1465, one base duplicated (T; older notation c.1465dupT).
Protein change: p.Tyr489fs; shifts the reading frame from tyrosine 489.
Molecular consequence: frameshift variant.
Genome position (GRCh38, 1-based): chr19:39,421,092, T duplicated; the last of 2 consecutive T bases (chr19:39,421,091-39,421,092); duplicating either gives the same sequence. VCF-style (leftmost placement, unchanged base first): chr19-39421090-C-CT. GRCh37 (hg19) VCF-style: chr19-39911730-C-CT.
Other names: c.1288dup, p.Tyr430fs (NM_001351693.2); c.1465dup, p.Tyr489fs (NM_001351694.2); short protein forms Y430fs, Y489fs.
Identifiers: ClinVar variation 4538637 (VCV004538637.1).